The following is an entry in ClinVar:

NM_001367624.2(ZNF469):c.8635G>A (p.Gly2879Arg)

Gene: ZNF469 (zinc finger protein 469; plus strand). Cytogenetic location: 16q24.2.
Variant type: single nucleotide variant.
Coding change: c.8635G>A on transcript NM_001367624.2 (MANE Select); coding-DNA position 8635, G replaced by A.
Protein change: p.Gly2879Arg; replaces glycine 2879 with arginine.
Molecular consequence: missense variant.
Genome position (GRCh38, 1-based): chr16:88,436,105, G>A. VCF-style: chr16-88436105-G-A. GRCh37 (hg19) VCF-style: chr16-88502513-G-A.
Other names: NM_001127464.1:c.8551G>A; short protein forms G2879R.
Identifiers: ClinVar variation 3476133 (VCV003476133.1).
Genomic context (GRCh38, chr16:88,436,105, plus strand): 5'-TTCTCCCAGCTCTTCCCTCCAGGCGGTCGCTTGACTAGAAAGAGGAACCCGCATGTCTAC[G>A]GGAAGCGCTGTGAGAAGCCGGTGCTCCCGCTGCCAACCCAGCCCAGCTTTGAGGAGGGCG-3'
Protein context (NP_001354553.1, residues 2869-2889): LTRKRNPHVY[Gly2879Arg]KRCEKPVLPL

ClinVar aggregate classification (germline): Uncertain significance (1 of 4 stars; one submission).

Conditions:
Cardiovascular phenotype. Identifiers: MedGen CN230736.

gnomAD v4.1: 16 of 1,549,048 alleles (0.001%); highest among the groups gnomAD compares: East Asian, 0.0024%; no homozygotes.

Submission:

Ambry Genetics
Classification: Uncertain significance for Cardiovascular phenotype. Last evaluated: 2024-10-25. Review status: criteria provided, single submitter. Criteria: Ambry Variant Classification Scheme 2023. Collection method: clinical testing. Allele origin: germline.
Comment: The p.G2851R variant (also known as c.8551G>A), located in coding exon 2 of the ZNF469 gene, results from a G to A substitution at nucleotide position 8551. The glycine at codon 2851 is replaced by arginine, an amino acid with dissimilar properties. This amino acid position is conserved. In addition, this alteration is predicted to be tolerated by in silico analysis. Based on the available evidence, the clinical significance of this variant remains unclear.